The following is an entry in ClinVar:

NM_002691.4(POLD1):c.1379T>C (p.Leu460Pro)

Gene: POLD1 (DNA polymerase delta 1, catalytic subunit; plus strand). Cytogenetic location: 19q13.33.
Variant type: single nucleotide variant.
Coding change: c.1379T>C on transcript NM_002691.4 (MANE Select); coding-DNA position 1379, T replaced by C.
Protein change: p.Leu460Pro; replaces leucine 460 with proline.
Molecular consequence: missense variant. On other transcripts: non-coding transcript variant (1).
Genome position (GRCh38, 1-based): chr19:50,406,318, T>C. VCF-style: chr19-50406318-T-C. GRCh37 (hg19) VCF-style: chr19-50909575-T-C.
Other names: c.1379T>C, p.Leu460Pro (NM_001256849.1, NM_001308632.1); short protein forms L460P.
Identifiers: ClinVar variation 484373 (VCV000484373.9), dbSNP rs1555791146, ClinGen allele CA406979990.
Genomic context (GRCh38, chr19:50,406,318, plus strand): 5'-AGACGGGCCGGCGGGACACCAAGGTTGTCAGCATGGTGGGCCGCGTGCAGATGGACATGC[T>C]GCAGGTATGGGCGGGAGGTGGGGTGTGTCCCTGTCCTTGGAAGGCCACTGCCCAGGCCCG-3'
Protein context (NP_002682.2, residues 450-470): SMVGRVQMDM[Leu460Pro]QVLLREYKLR

ClinVar aggregate classification (germline): Uncertain significance. Review status: criteria provided, multiple submitters, no conflicts (2 of 4 stars). 2 submissions from 2 submitters: Uncertain significance (2). Last evaluated 2025-12-22.

Conditions:
Hereditary cancer-predisposing syndrome. Also called: Tumor predisposition; Hereditary Cancer Syndrome; Hereditary neoplastic syndrome; Neoplastic Syndromes, Hereditary. Identifiers: Orphanet 140162, MedGen C0027672, MeSH D009386, MONDO:0015356.
POLD1-related polyposis and colorectal cancer syndrome (CRCS10). Also called: Colorectal cancer 10; COLORECTAL CANCER, SUSCEPTIBILITY TO, ON CHROMOSOME 19q; Colorectal cancer, susceptibility to, 10. Identifiers: Orphanet 220460, MedGen C2675481, MONDO:0012953, OMIM 612591.

Submissions (2):

Ambry Genetics
Classification: Uncertain significance for Hereditary cancer-predisposing syndrome. Last evaluated: 2025-12-22. Review status: criteria provided, single submitter. Criteria: Ambry Variant Classification Scheme 2023. Collection method: clinical testing. Allele origin: germline.
Comment: The p.L460P variant (also known as c.1379T>C), located in coding exon 10 of the POLD1 gene, results from a T to C substitution at nucleotide position 1379. The leucine at codon 460 is replaced by proline, an amino acid with similar properties. This amino acid position is highly conserved in available vertebrate species. In addition, this alteration is predicted to be deleterious by in silico analysis. Since supporting evidence is limited at this time, the clinical significance of this alteration remains unclear.

Labcorp Genetics (formerly Invitae), Labcorp
Classification: Uncertain significance for POLD1-related polyposis and colorectal cancer syndrome. Last evaluated: 2024-05-22. Review status: criteria provided, single submitter. Criteria: Invitae Variant Classification Sherloc (09022015). Collection method: clinical testing. Allele origin: germline.
Comment: This sequence change replaces leucine, which is neutral and non-polar, with proline, which is neutral and non-polar, at codon 460 of the POLD1 protein (p.Leu460Pro). This variant is not present in population databases (gnomAD no frequency). This variant has not been reported in the literature in individuals affected with POLD1-related conditions. ClinVar contains an entry for this variant (Variation ID: 484373). Advanced modeling of protein sequence and biophysical properties (such as structural, functional, and spatial information, amino acid conservation, physicochemical variation, residue mobility, and thermodynamic stability) performed at Invitae indicates that this missense variant is expected to disrupt POLD1 protein function with a positive predictive value of 80%. In summary, the available evidence is currently insufficient to determine the role of this variant in disease. Therefore, it has been classified as a Variant of Uncertain Significance.